The following is an entry in ClinVar:

NM_001371242.2(CRYBG1):c.3596T>C (p.Leu1199Pro)

Gene: CRYBG1 (crystallin beta-gamma domain containing 1; plus strand). Cytogenetic location: 6q21.
Variant type: single nucleotide variant.
Coding change: c.3596T>C on transcript NM_001371242.2 (MANE Select); coding-DNA position 3596, T replaced by C.
Protein change: p.Leu1199Pro; replaces leucine 1199 with proline.
Molecular consequence: missense variant.
Genome position (GRCh38, 1-based): chr6:106,520,804, T>C. VCF-style: chr6-106520804-T-C. GRCh37 (hg19) VCF-style: chr6-106968679-T-C.
Other names: c.2372T>C, p.Leu791Pro (NM_001624.4); short protein forms L1199P, L791P.
Identifiers: ClinVar variation 3027336 (VCV003027336.22), dbSNP rs2482097248, ClinGen allele CA365149029.
Genomic context (GRCh38, chr6:106,520,804, plus strand): 5'-AGAACCTTGACACAAAATCCAAACTGAGACCCAAACGTGCATCTGCTGAACAGAGCGTCC[T>C]CTTCAAGTCCCTGCACACCAACACTAATGGGAACAGTGAGCCTCTGGTGATGCCGGAAAT-3'
Protein context (NP_001358171.1, residues 1189-1209): PKRASAEQSV[Leu1199Pro]FKSLHTNTNG

ClinVar aggregate classification (germline): Uncertain significance (1 of 4 stars; one submission).

Submission:

CeGaT Center for Human Genetics Tuebingen
Classification: Uncertain significance. Last evaluated: 2024-02-01. Review status: criteria provided, single submitter. Criteria: CeGaT Center For Human Genetics Tuebingen Variant Classification Criteria Version 2. Collection method: clinical testing. Allele origin: germline. Affected: yes. Observed: 1 variant allele.
Comment: CRYBG1: PM2, BP4